The following is an entry in ClinVar:

ClinVar aggregate classification (germline): Uncertain significance. Review status: criteria provided, single submitter (1 of 4 stars). 2 submissions from 2 submitters: Uncertain significance (1). 1 of the submissions does not count toward it. Last evaluated 2022-08-09.

Conditions:
Retinitis pigmentosa 28 (RP28). Identifiers: Orphanet 791, MedGen C1419614, MONDO:0011630, OMIM 606068.

gnomAD v4.1: 2 of 1,614,190 alleles (0.00012%); highest among the groups gnomAD compares: Non-Finnish European, 0.00017%; no homozygotes.

Submissions (2):

Labcorp Genetics (formerly Invitae), Labcorp
Classification: Uncertain significance. Last evaluated: 2022-08-09. Review status: criteria provided, single submitter. Criteria: Invitae Variant Classification Sherloc (09022015). Collection method: clinical testing. Allele origin: germline.
Comment: This sequence change replaces arginine, which is basic and polar, with serine, which is neutral and polar, at codon 308 of the FAM161A protein (p.Arg308Ser). This variant is not present in population databases (gnomAD no frequency). This variant has not been reported in the literature in individuals affected with FAM161A-related conditions. ClinVar contains an entry for this variant (Variation ID: 1381711). Algorithms developed to predict the effect of missense changes on protein structure and function are either unavailable or do not agree on the potential impact of this missense change (SIFT: "Tolerated"; PolyPhen-2: "Possibly Damaging"; Align-GVGD: "Class C0"). In summary, the available evidence is currently insufficient to determine the role of this variant in disease. Therefore, it has been classified as a Variant of Uncertain Significance.

Natera, Inc.
Classification: Uncertain significance for Retinitis pigmentosa type 28. Last evaluated: 2025-01-09. Review status: no assertion criteria provided. Collection method: clinical testing. Allele origin: germline. Not counted in ClinVar's aggregate classification.

NM_001201543.2(FAM161A):c.924G>T (p.Arg308Ser)

Gene: FAM161A (FAM161 centrosomal protein A; minus strand). Cytogenetic location: 2p15.
Variant type: single nucleotide variant.
Coding change: c.924G>T on transcript NM_001201543.2 (MANE Select); coding-DNA position 924, G replaced by T.
Protein change: p.Arg308Ser; replaces arginine 308 with serine.
Molecular consequence: missense variant. On other transcripts: non-coding transcript variant (1).
Genome position (GRCh38, 1-based): chr2:61,840,080, C>A on the plus strand (G>T on the coding strand, the complement: FAM161A is on the minus strand). VCF-style: chr2-61840080-C-A. GRCh37 (hg19) VCF-style: chr2-62067215-C-A.
Other names: c.924G>T, p.Arg308Ser (NM_032180.3); c.924G>T (NM_001201543.1); short protein forms R308S.
Identifiers: ClinVar variation 1381711 (VCV001381711.7), dbSNP rs1017182965, ClinGen allele CA346987821.